The following is an entry in ClinVar:

ClinVar aggregate classification (germline): Uncertain significance (1 of 4 stars; one submission).

Conditions:
Growth hormone insensitivity with immune dysregulation 1, autosomal recessive. Also called: Laron syndrome with immunodeficiency; GROWTH HORMONE INSENSITIVITY DUE TO POSTRECEPTOR DEFECT; LARON SYNDROME DUE TO POSTRECEPTOR DEFECT; GROWTH HORMONE INSENSITIVITY SYNDROME WITH IMMUNE DYSREGULATION 1, AUTOSOMAL RECESSIVE. Identifiers: Orphanet 220465, MedGen C5435698, MONDO:0100211, OMIM 245590.

gnomAD v4.1: 1 of 1,614,012 alleles (0.000062%); no homozygotes.

Submission:

Labcorp Genetics (formerly Invitae), Labcorp
Classification: Uncertain significance for Growth hormone insensitivity with immune dysregulation 1, autosomal recessive. Last evaluated: 2024-08-31. Review status: criteria provided, single submitter. Criteria: Invitae Variant Classification Sherloc (09022015). Collection method: clinical testing. Allele origin: germline.
Comment: This sequence change replaces valine, which is neutral and non-polar, with alanine, which is neutral and non-polar, at codon 519 of the STAT5B protein (p.Val519Ala). This variant is not present in population databases (gnomAD no frequency). This variant has not been reported in the literature in individuals affected with STAT5B-related conditions. An algorithm developed to predict the effect of missense changes on protein structure and function (PolyPhen-2) suggests that this variant is likely to be tolerated. In summary, the available evidence is currently insufficient to determine the role of this variant in disease. Therefore, it has been classified as a Variant of Uncertain Significance.

NM_012448.4(STAT5B):c.1556T>C (p.Val519Ala)

Gene: STAT5B (signal transducer and activator of transcription 5B; minus strand). Cytogenetic location: 17q21.2.
Variant type: single nucleotide variant.
Coding change: c.1556T>C on transcript NM_012448.4 (MANE Select); coding-DNA position 1556, T replaced by C.
Protein change: p.Val519Ala; replaces valine 519 with alanine.
Molecular consequence: missense variant.
Genome position (GRCh38, 1-based): chr17:42,212,108, A>G on the plus strand (T>C on the coding strand, the complement: STAT5B is on the minus strand). VCF-style: chr17-42212108-A-G. GRCh37 (hg19) VCF-style: chr17-40364126-A-G.
Other names: short protein forms V519A.
Identifiers: ClinVar variation 3664054 (VCV003664054.2).